The following is an entry in ClinVar:

NM_001080449.3(DNA2):c.264T>C (p.Ser88=)

Gene: DNA2 (DNA replication helicase/nuclease 2; minus strand). Cytogenetic location: 10q21.3.
Variant type: single nucleotide variant.
Coding change: c.264T>C on transcript NM_001080449.3 (MANE Select); coding-DNA position 264, T replaced by C.
Protein change: p.Ser88=; no amino-acid change (serine 88 retained).
Molecular consequence: synonymous variant. On other transcripts: non-coding transcript variant (1).
Genome position (GRCh38, 1-based): chr10:68,468,300, A>G on the plus strand (T>C on the coding strand, the complement: DNA2 is on the minus strand). VCF-style: chr10-68468300-A-G. GRCh37 (hg19) VCF-style: chr10-70228057-A-G.
Identifiers: ClinVar variation 385154 (VCV000385154.16), dbSNP rs749078276, ClinGen allele CA5525332.

ClinVar aggregate classification (germline): Likely benign. Review status: criteria provided, multiple submitters, no conflicts (2 of 4 stars). 3 submissions from 3 submitters: Likely benign (3). Last evaluated 2026-01-07.

Allele frequency attached by ClinVar (database versions not stated): ExAC 0.00015; gnomAD exomes 0.00006 and 0.00011; TOPMed 0.00007; gnomAD 0.00009.
gnomAD v4.1: 107 of 1,572,098 alleles (0.0068%); highest among the groups gnomAD compares: Middle Eastern, 0.12%; no homozygotes.

Submissions (3):

Labcorp Genetics (formerly Invitae), Labcorp
Classification: Likely benign. Last evaluated: 2026-01-07. Review status: criteria provided, single submitter. Criteria: Invitae Variant Classification Sherloc (09022015). Collection method: clinical testing. Allele origin: germline.

CeGaT Center for Human Genetics Tuebingen
Classification: Likely benign. Last evaluated: 2025-03-01. Review status: criteria provided, single submitter. Criteria: CeGaT Center For Human Genetics Tuebingen Variant Classification Criteria Version 2. Collection method: clinical testing. Allele origin: germline. Affected: yes. Observed: 1 variant allele.
Comment: DNA2: BP4, BP7

GeneDx
Classification: Likely benign. Last evaluated: 2020-01-14. Review status: criteria provided, single submitter. Criteria: GeneDx Variant Classification Process June 2021. Collection method: clinical testing. Allele origin: germline. Affected: yes.